The following is an entry in ClinVar:

NM_001999.4(FBN2):c.3512G>T (p.Gly1171Val)

Gene: FBN2 (fibrillin 2; minus strand). Cytogenetic location: 5q23.3.
Variant type: single nucleotide variant.
Coding change: c.3512G>T on transcript NM_001999.4 (MANE Select); coding-DNA position 3512, G replaced by T.
Protein change: p.Gly1171Val; replaces glycine 1171 with valine.
Molecular consequence: missense variant.
Genome position (GRCh38, 1-based): chr5:128,338,083, C>A on the plus strand (G>T on the coding strand, the complement: FBN2 is on the minus strand). VCF-style: chr5-128338083-C-A. GRCh37 (hg19) VCF-style: chr5-127673775-C-A.
Other names: short protein forms G1171V.
Identifiers: ClinVar variation 4023460 (VCV004023460.2).

ClinVar aggregate classification (germline): Uncertain significance. Review status: criteria provided, multiple submitters, no conflicts (2 of 4 stars). 2 submissions from 2 submitters: Uncertain significance (2). Last evaluated 2025-05-18.

Conditions:
Familial thoracic aortic aneurysm and aortic dissection (TAAD). Also called: Thoracic aortic aneurysms and dissections. Identifiers: Orphanet 91387, MedGen C4707243, MONDO:0019625.

gnomAD v4.1: 2 of 1,614,040 alleles (0.00012%); highest among the groups gnomAD compares: East Asian, 0.0022%; no homozygotes.

Submissions (2):

Ambry Genetics
Classification: Uncertain significance for Familial thoracic aortic aneurysm and aortic dissection. Last evaluated: 2025-05-18. Review status: criteria provided, single submitter. Criteria: Ambry Variant Classification Scheme 2023. Collection method: clinical testing. Allele origin: germline.
Comment: The p.G1171V variant (also known as c.3512G>T), located in coding exon 27 of the FBN2 gene, results from a G to T substitution at nucleotide position 3512. The glycine at codon 1171 is replaced by valine, an amino acid with dissimilar properties. This amino acid position is highly conserved in available vertebrate species. In addition, this alteration is predicted to be deleterious by in silico analysis. Based on the available evidence, the clinical significance of this variant remains unclear.

Blueprint Genetics
Classification: Uncertain significance. Last evaluated: 2019-10-14. Review status: criteria provided, single submitter. Criteria: ACMG Guidelines, 2015. Collection method: clinical testing. Allele origin: germline.